The following is an entry in ClinVar:

ClinVar aggregate classification (germline): Uncertain significance (1 of 4 stars; one submission).

Submission:

GeneDx
Classification: Uncertain significance. Last evaluated: 2023-07-11. Review status: criteria provided, single submitter. Criteria: GeneDx Variant Classification Process June 2021. Collection method: clinical testing. Allele origin: germline. Affected: yes.
Comment: Not observed at significant frequency in large population cohorts (gnomAD); In silico analysis supports that this missense variant has a deleterious effect on protein structure/function; Has not been previously published as pathogenic or benign to our knowledge

NM_003931.3(WASF1):c.113T>A (p.Ile38Asn)

Gene: WASF1 (WASP family member 1; minus strand). Cytogenetic location: 6q21.
Variant type: single nucleotide variant.
Coding change: c.113T>A on transcript NM_003931.3 (MANE Select); coding-DNA position 113, T replaced by A.
Protein change: p.Ile38Asn; replaces isoleucine 38 with asparagine.
Molecular consequence: missense variant.
Genome position (GRCh38, 1-based): chr6:110,127,489, A>T on the plus strand (T>A on the coding strand, the complement: WASF1 is on the minus strand). VCF-style: chr6-110127489-A-T. GRCh37 (hg19) VCF-style: chr6-110448692-A-T.
Other names: c.113T>A, p.Ile38Asn (NM_001024934.2, NM_001024935.2, NM_001024936.2); short protein forms I38N.
Identifiers: ClinVar variation 3360849 (VCV003360849.1).